The following is an entry in ClinVar:

NM_000256.3(MYBPC3):c.2576C>G (p.Pro859Arg)

Gene: MYBPC3 (myosin binding protein C3; minus strand). Cytogenetic location: 11p11.2.
Variant type: single nucleotide variant.
Coding change: c.2576C>G on transcript NM_000256.3 (MANE Select); coding-DNA position 2576, C replaced by G.
Protein change: p.Pro859Arg; replaces proline 859 with arginine.
Molecular consequence: missense variant.
Genome position (GRCh38, 1-based): chr11:47,337,417, G>C on the plus strand (C>G on the coding strand, the complement: MYBPC3 is on the minus strand). VCF-style: chr11-47337417-G-C. GRCh37 (hg19) VCF-style: chr11-47358968-G-C.
Other names: short protein forms P859R.
Identifiers: ClinVar variation 4758861 (VCV004758861.1).

ClinVar aggregate classification (germline): Uncertain significance (1 of 4 stars; one submission).

Conditions:
Cardiomyopathy (CMYO). Also called: Cardiomyopathies. Identifiers: Orphanet 167848, MedGen C0878544, MONDO:0004994, HP:0001638. Inheritance: Various modes of inheritance.

Submission:

Color Diagnostics, LLC DBA Color Health
Classification: Uncertain significance for Cardiomyopathy. Last evaluated: 2025-07-14. Review status: criteria provided, single submitter. Criteria: ACMG Guidelines, 2015. Collection method: clinical testing. Allele origin: germline.
Comment: This missense variant replaces proline with arginine at codon 859 of the MYBPC3 protein. Computational prediction suggests that this variant may not impact protein structure and function. To our knowledge, functional studies have not been reported for this variant. This variant has not been reported in individuals affected with MYBPC3-related disorders in the literature. This variant has not been identified in the general population by the Genome Aggregation Database (gnomAD). The available evidence is insufficient to determine the role of this variant in disease conclusively. Therefore, this variant is classified as a Variant of Uncertain Significance.